The following is an entry in ClinVar:

NM_003906.5(MCM3AP):c.2628+1G>A

Gene: MCM3AP (minichromosome maintenance complex component 3 associated protein; minus strand). Cytogenetic location: 21q22.3.
Variant type: single nucleotide variant.
Coding change: c.2628+1G>A on transcript NM_003906.5 (MANE Select); the canonical splice donor site of the intron after coding-DNA position 2628, G replaced by A.
Molecular consequence: splice donor variant.
Genome position (GRCh38, 1-based): chr21:46,270,400, C>T on the plus strand (G>A on the coding strand, the complement: MCM3AP is on the minus strand). VCF-style: chr21-46270400-C-T. GRCh37 (hg19) VCF-style: chr21-47690314-C-T.
Identifiers: ClinVar variation 2230396 (VCV002230396.2), dbSNP rs2517401007, ClinGen allele CA410565652.
Genomic context (GRCh38, chr21:46,270,400, plus strand): 5'-CCAAACAGCACAAGAACCACCTGCTTTCTTCCAACTCTGCAAGCACAGCTCATTTACTCA[C>T]CTGACTGAAGTAACAGTGTAAAAGACAAGCGTTCAGGTAAGAAGCTGACTGGACCAGTTT-3'

ClinVar aggregate classification (germline): Likely pathogenic (1 of 4 stars; one submission).

Conditions:
Inborn genetic diseases. Identifiers: MedGen C0950123, MeSH D030342.

Allele frequency attached by ClinVar (database versions not stated): gnomAD exomes below 0.00001.
gnomAD v4.1: 2 of 1,609,190 alleles (0.00012%); highest among the groups gnomAD compares: Non-Finnish European, 0.00017%; no homozygotes.

Submission:

Ambry Genetics
Classification: Likely pathogenic for Inborn genetic diseases. Last evaluated: 2021-04-29. Review status: criteria provided, single submitter. Criteria: Ambry Variant Classification Scheme 2023. Collection method: clinical testing. Allele origin: germline.
Comment: The c.2628+1G>A intronic alteration consists of a G to A substitution one nucleotide after Intron 9 (C) of the MCM3AP gene. Alterations that disrupt the canonical splice site are expected to cause aberrant splicing, resulting in an abnormal protein or a transcript that is subject to nonsense-mediated mRNA decay. Based on the available evidence, this alteration is classified as likely pathogenic.